The following is an entry in ClinVar:

ClinVar aggregate classification (germline): Likely pathogenic (1 of 4 stars; one submission).

Conditions:
Glycine encephalopathy. Also called: Nonketotic hyperglycinemia; Non-ketotic hyperglycinemia. Identifiers: Orphanet 407, MedGen C0751748, MONDO:0011612, HP:0008288.

Submission:

Institute of Human Genetics, University of Leipzig Medical Center
Classification: Likely pathogenic for Glycine encephalopathy 1. Last evaluated: 2019-10-02. Review status: criteria provided, single submitter. Criteria: ACMG Guidelines, 2015. Collection method: clinical testing. Allele origin: germline. Affected: yes.
Comment: The variant was confirmed as compound heterozygous with a likely pathogenic variant (NM_000170.2: c.2167C>T).

NM_000170.3(GLDC):c.1072A>T (p.Lys358Ter)

Gene: GLDC (glycine decarboxylase; minus strand). Cytogenetic location: 9p24.1.
Variant type: single nucleotide variant.
Coding change: c.1072A>T on transcript NM_000170.3 (MANE Select); coding-DNA position 1072, A replaced by T.
Protein change: p.Lys358Ter; replaces lysine 358 with a stop codon.
Molecular consequence: nonsense.
Genome position (GRCh38, 1-based): chr9:6,602,192, T>A on the plus strand (A>T on the coding strand, the complement: GLDC is on the minus strand). VCF-style: chr9-6602192-T-A. GRCh37 (hg19) VCF-style: chr9-6602192-T-A.
Other names: short protein forms K358*.
Identifiers: ClinVar variation 873438 (VCV000873438.1), dbSNP rs1818624667, ClinGen allele CA372894703.
Genomic context (GRCh38, chr9:6,602,192, plus strand): 5'-TAGCCTTGTCTCTCCGAATGTGTTGCTCCCTGGTTTGAAGAGCAAGACGATACACTTCTT[T>A]CCCAGTGGCATCTCTACACCAAGAATAAGGCATCCAGTTAGCACAGATAATCACAGCACT-3'